The following is an entry in ClinVar:

ClinVar aggregate classification (germline): Likely benign (1 of 4 stars; one submission).

Conditions:
Loeys-Dietz syndrome (LDS). Identifiers: Orphanet 60030, MedGen C2697932, MONDO:0018954.

Allele frequency attached by ClinVar (database versions not stated): gnomAD exomes below 0.00001.
gnomAD v4.1: 1 of 1,613,856 alleles (0.000062%); highest among the groups gnomAD compares: Non-Finnish European, 0.000085%; no homozygotes.

Submission:

All of Us Research Program, National Institutes of Health
Classification: Likely benign for Loeys-Dietz syndrome. Last evaluated: 2023-11-20. Review status: criteria provided, single submitter. Criteria: ACMG Guidelines, 2015. Collection method: clinical testing. Allele origin: germline. Inheritance: Autosomal dominant inheritance. Observed: 1 variant allele, 1 heterozygote.
Comment: This study involves interpretation of variants in research participants for the purpose of population health screening. Participant phenotype was not available at the time of variant classification. Additional details can be found in publication PMID: 35346344, PMCID: PMC8962531

NM_004612.4(TGFBR1):c.1002G>A (p.Leu334=)

Gene: TGFBR1 (transforming growth factor beta receptor 1; plus strand). Cytogenetic location: 9q22.33.
Variant type: single nucleotide variant.
Coding change: c.1002G>A on transcript NM_004612.4 (MANE Select); coding-DNA position 1002, G replaced by A.
Protein change: p.Leu334=; no amino-acid change (leucine 334 retained).
Molecular consequence: synonymous variant. On other transcripts: non-coding transcript variant (4).
Genome position (GRCh38, 1-based): chr9:99,144,760, G>A. VCF-style: chr9-99144760-G-A. GRCh37 (hg19) VCF-style: chr9-101907042-G-A.
Other names: c.771G>A, p.Leu257= (NM_001130916.3, NM_001407435.1); c.1014G>A, p.Leu338= (NM_001306210.2); c.846G>A, p.Leu282= (NM_001407416.1); c.834G>A, p.Leu278= (NM_001407417.1); c.807G>A, p.Leu269= (NM_001407418.1, NM_001407419.1, NM_001407420.1 and 1 more transcripts); c.795G>A, p.Leu265= (NM_001407423.1, NM_001407424.1, NM_001407425.1 and 8 more transcripts); c.756G>A, p.Leu252= (NM_001407436.1); c.294G>A, p.Leu98= (NM_001407437.1); and 1 more.
Identifiers: ClinVar variation 3074673 (VCV003074673.1), dbSNP rs2490236413, ClinGen allele CA466434673.
Genomic context (GRCh38, chr9:99,144,760, plus strand): 5'-TAAGCAGTCATGTTTAATTTTTGATTCTTTAGGAAAGCCAGCCATTGCTCATAGAGATTT[G>A]AAATCAAAGAATATCTTGGTAAAGAAGAATGGAACTTGCTGTATTGCAGACTTAGGACTG-3'
Protein context (NP_004603.1, residues 324-344): QGKPAIAHRD[Leu334=]KSKNILVKKN